The following is an entry in ClinVar:

ClinVar aggregate classification (germline): Likely pathogenic. Review status: criteria provided, multiple submitters, no conflicts (2 of 4 stars). 4 submissions from 4 submitters: Likely pathogenic (4). Last evaluated 2026-04-22.

Conditions:
Breast-ovarian cancer, familial, susceptibility to, 4. Identifiers: Orphanet 145, MedGen C3280345, MONDO:0013669, OMIM 614291.
Hereditary cancer-predisposing syndrome. Also called: Neoplastic Syndromes, Hereditary; Tumor predisposition; Hereditary Cancer Syndrome; Hereditary neoplastic syndrome. Identifiers: Orphanet 140162, MedGen C0027672, MeSH D009386, MONDO:0015356.

Submissions (4):

Ambry Genetics
Classification: Likely pathogenic for Hereditary cancer-predisposing syndrome. Last evaluated: 2026-04-22. Review status: criteria provided, single submitter. Criteria: Ambry Variant Classification Scheme 2023. Collection method: clinical testing. Allele origin: germline.
Comment: The c.738+1G>T intronic variant results from a G to T substitution one nucleotide after coding exon 8 of the RAD51D gene. This nucleotide position is highly conserved in available vertebrate species. In silico splice site analysis predicts that this alteration will weaken the native splice donor site; however, direct evidence is insufficient at this time (Ambry internal data). Alterations that disrupt the canonical splice site are expected to cause aberrant splicing, resulting in an abnormal protein or a transcript that is subject to nonsense-mediated mRNA decay. As such, this alteration is classified as likely pathogenic.

Labcorp Genetics (formerly Invitae), Labcorp
Classification: Likely pathogenic for Breast-ovarian cancer, familial, susceptibility to, 4. Last evaluated: 2025-08-05. Review status: criteria provided, single submitter. Criteria: Invitae Variant Classification Sherloc (09022015). Collection method: clinical testing. Allele origin: germline.
Comment: This sequence change affects a donor splice site in intron 8 of the RAD51D gene. It is expected to disrupt RNA splicing. Variants that disrupt the donor or acceptor splice site typically lead to a loss of protein function (PMID: 16199547), and loss-of-function variants in RAD51D are known to be pathogenic (PMID: 21822267). This variant is not present in population databases (gnomAD no frequency). Disruption of this splice site has been observed in individual(s) with ovarian cancer (PMID: 30111881). ClinVar contains an entry for this variant (Variation ID: 2018478). Algorithms developed to predict the effect of sequence changes on RNA splicing suggest that this variant may disrupt the consensus splice site. In summary, the currently available evidence indicates that the variant is pathogenic, but additional data are needed to prove that conclusively. Therefore, this variant has been classified as Likely Pathogenic.

Myriad Genetics, Inc.
Classification: Likely pathogenic for Breast-ovarian cancer, familial, susceptibility to, 4. Last evaluated: 2024-01-05. Review status: criteria provided, single submitter. Criteria: Myriad Autosomal Dominant, Autosomal Recessive and X-Linked Classification Criteria (2023). Collection method: clinical testing. Allele origin: unknown.
Comment: This variant is considered likely pathogenic. This variant occurs within a consensus splice junction and is predicted to result in abnormal mRNA splicing of either an out-of-frame exon or an in-frame exon necessary for protein stability and/or normal function.

Baylor Genetics
Classification: Likely pathogenic for Breast-ovarian cancer, familial, susceptibility to, 4. Last evaluated: 2022-06-21. Review status: criteria provided, single submitter. Criteria: ACMG Guidelines, 2015. Collection method: clinical testing. Allele origin: unknown.

Literature cited by the submitters: PubMed 16199547 (cited by Labcorp Genetics (formerly Invitae), Labcorp); PubMed 21822267 (cited by Labcorp Genetics (formerly Invitae), Labcorp); PubMed 30111881 (cited by Labcorp Genetics (formerly Invitae), Labcorp).

NM_002878.4(RAD51D):c.738+1G>T

Genes: RAD51D (RAD51 paralog D; minus strand), RAD51L3-RFFL (RAD51L3-RFFL readthrough; minus strand). Cytogenetic location: 17q12.
Variant type: single nucleotide variant.
Coding change: c.738+1G>T on transcript NM_002878.4 (MANE Select); the canonical splice donor site of the intron after coding-DNA position 738, G replaced by T.
Molecular consequence: splice donor variant.
Genome position (GRCh38, 1-based): chr17:35,103,253, C>A on the plus strand (G>T on the coding strand, the complement: RAD51D is on the minus strand). VCF-style: chr17-35103253-C-A. GRCh37 (hg19) VCF-style: chr17-33430272-C-A.
Other names: c.402+1G>T (NM_133629.3); c.798+1G>T (NM_001142571.2); c.738+1G>T (NM_002878.3).
Identifiers: ClinVar variation 2018478 (VCV002018478.7), dbSNP rs1567726124, ClinGen allele CA399087462.